The following is an entry in ClinVar:

ClinVar aggregate classification (germline): Uncertain significance (1 of 4 stars; one submission).

Conditions:
Hereditary cancer-predisposing syndrome. Also called: Hereditary Cancer Syndrome; Hereditary neoplastic syndrome; Neoplastic Syndromes, Hereditary; Tumor predisposition. Identifiers: Orphanet 140162, MedGen C0027672, MeSH D009386, MONDO:0015356.

Submission:

Ambry Genetics
Classification: Uncertain significance for Hereditary cancer-predisposing syndrome. Last evaluated: 2025-05-12. Review status: criteria provided, single submitter. Criteria: Ambry Variant Classification Scheme 2023. Collection method: clinical testing. Allele origin: germline.
Comment: The p.S532C variant (also known as c.1594A>T), located in coding exon 15 of the NF2 gene, results from an A to T substitution at nucleotide position 1594. The serine at codon 532 is replaced by cysteine, an amino acid with dissimilar properties. This amino acid position is conserved. In addition, this alteration is predicted to be deleterious by in silico analysis. Based on the available evidence, the clinical significance of this variant remains unclear.

NM_000268.4(NF2):c.1594A>T (p.Ser532Cys)

Gene: NF2 (NF2, moesin-ezrin-radixin like (MERLIN) tumor suppressor; plus strand). Cytogenetic location: 22q12.2.
Variant type: single nucleotide variant.
Coding change: c.1594A>T on transcript NM_000268.4 (MANE Select); coding-DNA position 1594, A replaced by T.
Protein change: p.Ser532Cys; replaces serine 532 with cysteine.
Molecular consequence: missense variant. On other transcripts: intron variant (3).
Genome position (GRCh38, 1-based): chr22:29,681,458, A>T. VCF-style: chr22-29681458-A-T. GRCh37 (hg19) VCF-style: chr22-30077447-A-T.
Other names: c.1480A>T, p.Ser494Cys (NM_001407053.1, NM_001407056.1); c.1471A>T, p.Ser491Cys (NM_001407054.1, NM_001407058.1, NM_181829.3); c.1468A>T, p.Ser490Cys (NM_001407055.1, NM_181828.3); c.1459A>T, p.Ser487Cys (NM_001407057.1, NM_001407059.1); c.1336A>T, p.Ser446Cys (NM_001407062.1); c.1345A>T, p.Ser449Cys (NM_001407063.1, NM_181830.3, NM_181831.3); c.1060A>T, p.Ser354Cys (NM_001407065.1); c.1594A>T, p.Ser532Cys (NM_001407066.1, NM_016418.5, NM_181825.3 and 1 more transcripts); and 4 more; short protein forms S487C, S532C, S354C, S446C, S455C, S491C, S449C, S494C.
Identifiers: ClinVar variation 3919155 (VCV003919155.1).